The following is an entry in ClinVar:

NM_024664.4(PPCS):c.551del (p.Phe184fs)

Genes: CCDC30 (coiled-coil domain containing 30; plus strand), PPCS (phosphopantothenoylcysteine synthetase; plus strand). Cytogenetic location: 1p34.2.
Variant type: Deletion.
Coding change: c.551del on transcript NM_024664.4 (MANE Select); coding-DNA position 551, one base deleted (T; older notation c.551delT).
Protein change: p.Phe184fs; shifts the reading frame from phenylalanine 184.
Molecular consequence: frameshift variant. On other transcripts: 5 prime UTR variant (2).
Genome position (GRCh38, 1-based): chr1:42,457,289, T deleted; the last of 3 consecutive T bases (chr1:42,457,287-42,457,289); deleting any one gives the same sequence. VCF-style (leftmost placement, unchanged base first): chr1-42457286-AT-A. GRCh37 (hg19) VCF-style: chr1-42922957-AT-A.
Other names: c.-941del (NM_001355226.2); c.32del, p.Phe11fs (NM_001077447.3, NM_001287506.1, NM_001287508.2 and 2 more transcripts); c.-285del (NM_001287507.1); c.551del, p.Phe184fs (NM_001287511.2); short protein forms F184fs, F11fs.
Identifiers: ClinVar variation 1378341 (VCV001378341.6), dbSNP rs757836367, ClinGen allele CA800012.
Genomic context (GRCh38, chr1:42,457,286, plus strand): 5'-ACCTTGTGTTTCTCTTTGCAGGCCCTTCTGCGATGTTTTACCTGGCTGCGGCTGTGTCAG[AT>A]TTCTATGTTCCTGTCTCTGAAATGCCTGAACACAAGATCCAGTCATCTGGGGGCCCACTG-3'

ClinVar aggregate classification (germline): Uncertain significance (1 of 4 stars; one submission).

Submission:

Labcorp Genetics (formerly Invitae), Labcorp
Classification: Uncertain significance. Last evaluated: 2021-11-17. Review status: criteria provided, single submitter. Criteria: Invitae Variant Classification Sherloc (09022015). Collection method: clinical testing. Allele origin: germline.
Comment: In summary, the available evidence is currently insufficient to determine the role of this variant in disease. Therefore, it has been classified as a Variant of Uncertain Significance. This variant has not been reported in the literature in individuals affected with PPCS-related conditions. This variant is present in population databases (rs757836367, gnomAD 0.05%). This sequence change creates a premature translational stop signal (p.Phe184Serfs*22) in the PPCS gene. While this is not anticipated to result in nonsense mediated decay, it is expected to disrupt the last 128 amino acid(s) of the PPCS protein.